The following is an entry in ClinVar:

NM_002637.4(PHKA1):c.2092G>A (p.Asp698Asn)

Gene: PHKA1 (phosphorylase kinase regulatory subunit alpha 1; minus strand). Cytogenetic location: Xq13.1.
Variant type: single nucleotide variant.
Coding change: c.2092G>A on transcript NM_002637.4 (MANE Select); coding-DNA position 2092, G replaced by A.
Protein change: p.Asp698Asn; replaces aspartic acid 698 with asparagine.
Molecular consequence: missense variant. On other transcripts: intron variant (1).
Genome position (GRCh38, 1-based): chrX:72,620,770, C>T on the plus strand (G>A on the coding strand, the complement: PHKA1 is on the minus strand). VCF-style: chrX-72620770-C-T. GRCh37 (hg19) VCF-style: chrX-71840620-C-T.
Other names: c.2092G>A, p.Asp698Asn (NM_001122670.2); c.1961-1465G>A (NM_001172436.2); short protein forms D698N.
Identifiers: ClinVar variation 423586 (VCV000423586.10), dbSNP rs1064796509, ClinGen allele CA16621500.

ClinVar aggregate classification (germline): Uncertain significance. Review status: criteria provided, multiple submitters, no conflicts (2 of 4 stars). 2 submissions from 2 submitters: Uncertain significance (2). Last evaluated 2024-09-05.

Conditions:
Glycogen storage disease IXd (GSD9D). Also called: Muscle Phosphorylase Kinase Deficiency; GSD IXd. Identifiers: Orphanet 715, MedGen C1845151, MONDO:0010362, OMIM 300559.

Allele frequency attached by ClinVar (database versions not stated): gnomAD exomes 0.00001.
gnomAD v4.1: 17 of 1,210,215 alleles (0.0014%); highest among the groups gnomAD compares: Non-Finnish European, 0.0011%; no homozygotes.

Submissions (2):

Labcorp Genetics (formerly Invitae), Labcorp
Classification: Uncertain significance for Glycogen storage disease IXd. Last evaluated: 2024-09-05. Review status: criteria provided, single submitter. Criteria: Invitae Variant Classification Sherloc (09022015). Collection method: clinical testing. Allele origin: germline.
Comment: This sequence change replaces aspartic acid, which is acidic and polar, with asparagine, which is neutral and polar, at codon 698 of the PHKA1 protein (p.Asp698Asn). This variant is not present in population databases (gnomAD no frequency). This variant has not been reported in the literature in individuals affected with PHKA1-related conditions. ClinVar contains an entry for this variant (Variation ID: 423586). Invitae Evidence Modeling of protein sequence and biophysical properties (such as structural, functional, and spatial information, amino acid conservation, physicochemical variation, residue mobility, and thermodynamic stability) indicates that this missense variant is not expected to disrupt PHKA1 protein function with a negative predictive value of 80%. In summary, the available evidence is currently insufficient to determine the role of this variant in disease. Therefore, it has been classified as a Variant of Uncertain Significance.

GeneDx
Classification: Uncertain significance. Last evaluated: 2017-02-21. Review status: criteria provided, single submitter. Criteria: GeneDx Variant Classification (06012015). Collection method: clinical testing. Allele origin: germline. Affected: yes.
Comment: The D698N variant in the PHKA1 gene has not been reported previously as a pathogenic variant, nor as a benign variant, to our knowledge. The D698N variant is not observed in large population cohorts (Lek et al., 2016; 1000 Genomes Consortium et al., 2015; Exome Variant Server). The D698N variant is a semi-conservative amino acid substitution, which may impact secondary protein structure as these residues differ in some properties. However, this substitution occurs at a position that is not conserved across species, and in silico analysis is inconsistent in its predictions as to whether or not the variant is damaging to the protein structure/function. We interpret D698N as a variant of uncertain significance.